The following is an entry in ClinVar:

ClinVar aggregate classification (germline): Uncertain significance. Review status: criteria provided, single submitter (1 of 4 stars). 2 submissions from 2 submitters: Uncertain significance (1). 1 of the submissions does not count toward it. Last evaluated 2018-10-11.

Conditions:
Episodic ataxia type 2 (EA2). Also called: ACETAZOLAMIDE-RESPONSIVE HEREDITARY PAROXYSMAL CEREBELLAR ATAXIA; ATAXIA, EPISODIC, WITH NYSTAGMUS; ATAXIA, FAMILIAL PAROXYSMAL; CEREBELLAR ATAXIA, PAROXYSMAL, ACETAZOLAMIDE-RESPONSIVE; CEREBELLOPATHY, HEREDITARY PAROXYSMAL; EPISODIC ATAXIA, NYSTAGMUS-ASSOCIATED. Identifiers: Orphanet 97, MedGen C1720416, MONDO:0007163, OMIM 108500.
Spinocerebellar ataxia type 6 (SCA6). Identifiers: Orphanet 98758, MedGen C0752124, MONDO:0008457, OMIM 183086.
Developmental and epileptic encephalopathy, 42 (DEE42A). Also called: DEVELOPMENTAL AND EPILEPTIC ENCEPHALOPATHY 42A; EPILEPTIC ENCEPHALOPATHY, EARLY INFANTILE, 42A; Epileptic encephalopathy, early infantile, 42. Identifiers: MedGen C4310716, MONDO:0014917, OMIM 617106.
Migraine, familial hemiplegic, 1. Also called: MIGRAINE, FAMILIAL HEMIPLEGIC 1, WITH PROGRESSIVE CEREBELLAR ATAXIA. Identifiers: Orphanet 569, MedGen C1832884, MONDO:0020756, OMIM 141500, MONDO:0007714.
Global developmental delay (DD). Also called: Cognitive delay. Identifiers: MedGen C0557874, HP:0001263. Disease mechanism: loss of function.

Submissions (2):

Baylor Genetics
Classification: Uncertain significance for Spinocerebellar ataxia type 6. Last evaluated: 2018-10-11. Review status: criteria provided, single submitter. Criteria: ACMG Guidelines, 2015. Collection method: clinical testing. Allele origin: maternal. Affected: yes.
Comment: This variant was determined to be of uncertain significance according to ACMG Guidelines, 2015 [PMID:25741868].

Centre de Biologie Pathologie Génétique, Centre Hospitalier Universitaire de Lille
Classification: Uncertain significance for Global developmental delay. Last evaluated: 2020-01-01. Review status: no assertion criteria provided. Collection method: clinical testing. Allele origin: germline. Affected: yes. Not counted in ClinVar's aggregate classification.

NM_001127222.2(CACNA1A):c.709A>G (p.Ile237Val)

Gene: CACNA1A (calcium voltage-gated channel subunit alpha1 A; minus strand). Cytogenetic location: 19p13.13.
Variant type: single nucleotide variant.
Coding change: c.709A>G on transcript NM_001127222.2 (MANE Select); coding-DNA position 709, A replaced by G.
Protein change: p.Ile237Val; replaces isoleucine 237 with valine.
Molecular consequence: missense variant.
Genome position (GRCh38, 1-based): chr19:13,365,392, T>C on the plus strand (A>G on the coding strand, the complement: CACNA1A is on the minus strand). VCF-style: chr19-13365392-T-C. GRCh37 (hg19) VCF-style: chr19-13476206-T-C.
Other names: c.709A>G, p.Ile237Val (NM_000068.4, NM_001127221.2, NM_001174080.2 and 1 more transcripts); short protein forms I237V.
Identifiers: ClinVar variation 1031847 (VCV001031847.3), dbSNP rs2059190094, ClinGen allele CA404348496.